The following is an entry in ClinVar:

NM_025137.4(SPG11):c.2873_2876del (p.Glu958fs)

Gene: SPG11 (SPG11 vesicle trafficking associated, spatacsin; minus strand). Cytogenetic location: 15q21.1.
Variant type: Deletion.
Coding change: c.2873_2876del on transcript NM_025137.4 (MANE Select); coding-DNA positions 2873 to 2876, 4 bases deleted (AATG; older notation c.2873_2876delAATG).
Protein change: p.Glu958fs; shifts the reading frame from glutamic acid 958.
Molecular consequence: frameshift variant.
Genome position (GRCh38, 1-based): chr15:44,615,525-44,615,528, CATT deleted on the plus strand (AATG on the coding strand, the reverse complement: SPG11 is on the minus strand); deleting any 4 consecutive bases within chr15:44,615,525-44,615,530 gives the same sequence; the c. name uses the placement nearest the transcript's 3' end. VCF-style (leftmost placement, unchanged base first): chr15-44615524-GCATT-G. GRCh37 (hg19) VCF-style: chr15-44907722-GCATT-G.
Other names: c.2873_2876del, p.Glu958fs (NM_001160227.2, NM_001411132.1); short protein forms E958fs.
Identifiers: ClinVar variation 3897024 (VCV003897024.1).

ClinVar aggregate classification (germline): Likely pathogenic (1 of 4 stars; one submission).

Conditions:
Hereditary spastic paraplegia 11. Also called: SPASTIC PARAPLEGIA, AUTOSOMAL RECESSIVE, COMPLICATED, WITH THIN CORPUS CALLOSUM; SPASTIC PARAPLEGIA, AUTOSOMAL RECESSIVE, WITH MENTAL IMPAIRMENT AND THIN CORPUS CALLOSUM; Spastic Paraplegia 11; Spastic paraplegia, mental retardation and thin corpus callosum; Nakamura Osame syndrome; Autosomal recessive hereditary spastic paraplegia, mental impairment, and thin corpus callosum. Identifiers: Orphanet 2822, MedGen C1858479, MONDO:0011445, OMIM 604360.

Submission:

Kariminejad - Najmabadi Pathology & Genetics Center
Classification: Likely pathogenic for Hereditary spastic paraplegia 11. Last evaluated: 2024-05-07. Review status: criteria provided, single submitter. Criteria: ACMG Guidelines, 2015. Collection method: clinical testing. Allele origin: germline. Inheritance: Autosomal recessive inheritance. Affected: yes.
Comment: PVS1_very strong,PM2_mod